The following is an entry in ClinVar:

ClinVar aggregate classification (germline): Uncertain significance. Review status: criteria provided, multiple submitters, no conflicts (2 of 4 stars). 3 submissions from 3 submitters: Uncertain significance (2). 1 of the submissions does not count toward it. Last evaluated 2024-03-11.

Conditions:
Histiocytic medullary reticulosis. Also called: SEVERE COMBINED IMMUNODEFICIENCY WITH HYPEREOSINOPHILIA; Omenn syndrome. Identifiers: Orphanet 39041, MedGen C2700553, MONDO:0011338, OMIM 603554.
Athabaskan severe combined immunodeficiency (SCIDA). Also called: Severe combined immunodeficiency, athabascan-type. Identifiers: MedGen C1865370.
Severe combined immunodeficiency due to DCLRE1C deficiency (RS-SCID). Also called: SCID, AUTOSOMAL RECESSIVE, T CELL-NEGATIVE, B CELL-NEGATIVE, NK CELL-POSITIVE, WITH SENSITIVITY TO IONIZING RADIATION. Identifiers: Orphanet 275, MedGen C1865371, MONDO:0011225, OMIM 602450.

Allele frequency attached by ClinVar (database versions not stated): gnomAD 0.00001; gnomAD exomes 0.00001 and below 0.00001; ExAC 0.00001; TOPMed 0.00002.
gnomAD v4.1: 7 of 1,614,088 alleles (0.00043%); highest among the groups gnomAD compares: Admixed American, 0.0067%; no homozygotes.

Submissions (4):

Labcorp Genetics (formerly Invitae), Labcorp
Classification: Uncertain significance for Athabaskan severe combined immunodeficiency. Last evaluated: 2024-03-11. Review status: criteria provided, single submitter. Criteria: Invitae Variant Classification Sherloc (09022015). Collection method: clinical testing. Allele origin: germline.
Comment: This sequence change replaces glutamic acid, which is acidic and polar, with aspartic acid, which is acidic and polar, at codon 564 of the DCLRE1C protein (p.Glu564Asp). This variant is present in population databases (rs767573884, gnomAD 0.01%). This variant has not been reported in the literature in individuals affected with DCLRE1C-related conditions. ClinVar contains an entry for this variant (Variation ID: 299311). Algorithms developed to predict the effect of missense changes on protein structure and function output the following: SIFT: "Not Available"; PolyPhen-2: "Benign"; Align-GVGD: "Not Available". The aspartic acid amino acid residue is found in multiple mammalian species, which suggests that this missense change does not adversely affect protein function. In summary, the available evidence is currently insufficient to determine the role of this variant in disease. Therefore, it has been classified as a Variant of Uncertain Significance.

Illumina Laboratory Services, Illumina
Classification: Uncertain significance for Histiocytic medullary reticulosis. Last evaluated: 2018-01-13. Review status: criteria provided, single submitter. Criteria: ICSL Variant Classification Criteria 13 December 2019. Collection method: clinical testing. Allele origin: germline.

Natera, Inc.
Classification: Uncertain significance for Athabascan severe combined immunodeficiency. Last evaluated: 2021-02-11. Review status: no assertion criteria provided. Collection method: clinical testing. Allele origin: germline. Not counted in ClinVar's aggregate classification.

Dr. Peter K. Rogan Lab, Western University
No classification provided (evidence only). Condition: Familial cancer of breast. Review status: no classification provided. Collection method: in vitro. Allele origin: not applicable. Functional consequence: retained intron. Not counted in ClinVar's aggregate classification.

NM_001033855.3(DCLRE1C):c.1692G>C (p.Glu564Asp)

Gene: DCLRE1C (DNA cross-link repair 1C; minus strand). Cytogenetic location: 10p13.
Variant type: single nucleotide variant.
Coding change: c.1692G>C on transcript NM_001033855.3 (MANE Select); coding-DNA position 1692, G replaced by C.
Protein change: p.Glu564Asp; replaces glutamic acid 564 with aspartic acid.
Molecular consequence: missense variant. On other transcripts: non-coding transcript variant (4).
Genome position (GRCh38, 1-based): chr10:14,908,795, C>G on the plus strand (G>C on the coding strand, the complement: DCLRE1C is on the minus strand). VCF-style: chr10-14908795-C-G. GRCh37 (hg19) VCF-style: chr10-14950794-C-G.
Other names: c.1332G>C, p.Glu444Asp (NM_001033857.3, NM_001033858.3, NM_001289077.2 and 2 more transcripts); c.1347G>C, p.Glu449Asp (NM_001289076.2, NM_001289078.2, NM_001350966.2 and 1 more transcripts); c.1692G>C, p.Glu564Asp (NM_001350965.2); short protein forms E564D, E444D, E449D.
Identifiers: ClinVar variation 299311 (VCV000299311.10), dbSNP rs767573884, ClinGen allele CA5416434.